The following is an entry in ClinVar:

ClinVar aggregate classification (germline): Uncertain significance (1 of 4 stars; one submission).

Submission:

Labcorp Genetics (formerly Invitae), Labcorp
Classification: Uncertain significance. Last evaluated: 2025-04-01. Review status: criteria provided, single submitter. Criteria: Invitae Variant Classification Sherloc (09022015). Collection method: clinical testing. Allele origin: germline.
Comment: This sequence change replaces arginine, which is basic and polar, with glycine, which is neutral and non-polar, at codon 798 of the DNA2 protein (p.Arg798Gly). This variant is not present in population databases (gnomAD no frequency). This variant has not been reported in the literature in individuals affected with DNA2-related conditions. Invitae Evidence Modeling of protein sequence and biophysical properties (such as structural, functional, and spatial information, amino acid conservation, physicochemical variation, residue mobility, and thermodynamic stability) indicates that this missense variant is not expected to disrupt DNA2 protein function with a negative predictive value of 80%. In summary, the available evidence is currently insufficient to determine the role of this variant in disease. Therefore, it has been classified as a Variant of Uncertain Significance.

NM_001080449.3(DNA2):c.2392C>G (p.Arg798Gly)

Gene: DNA2 (DNA replication helicase/nuclease 2; minus strand). Cytogenetic location: 10q21.3.
Variant type: single nucleotide variant.
Coding change: c.2392C>G on transcript NM_001080449.3 (MANE Select); coding-DNA position 2392, C replaced by G.
Protein change: p.Arg798Gly; replaces arginine 798 with glycine.
Molecular consequence: missense variant. On other transcripts: non-coding transcript variant (1).
Genome position (GRCh38, 1-based): chr10:68,422,707, G>C on the plus strand (C>G on the coding strand, the complement: DNA2 is on the minus strand). VCF-style: chr10-68422707-G-C. GRCh37 (hg19) VCF-style: chr10-70182464-G-C.
Other names: short protein forms R798G.
Identifiers: ClinVar variation 4742479 (VCV004742479.1).
Genomic context (GRCh38, chr10:68,422,707, plus strand): 5'-GTTCCTTGAAAATAATCTAGTTTAAAATTAACACTTAAGTGTCTGCCTACCTTGCTTCAC[G>C]GTTTAGCACCAGGGGAGGAAGCTGCTGATGGTCCCCCACTAACACAAATCTCCGTGAAAA-3'
Protein context (NP_001073918.2, residues 788-808): HQQLPPLVLN[Arg798Gly]EARALGMSES